The following is an entry in ClinVar:

ClinVar aggregate classification (germline): Uncertain significance (1 of 4 stars; one submission).

Conditions:
Mucopolysaccharidosis, MPS-III-D (MPS3D). Also called: Mucopoly-saccharidosis type 3D; N-acetylglucosamine-6-sulfate sulfatase deficiency; MPS 3D; MPS IIID (Sanfilippo Syndrome Type D); MUCOPOLYSACCHARIDOSIS, TYPE IIID; N-ACETYLGLUCOSAMINE-6-SULFATASE DEFICIENCY. Identifiers: Orphanet 581, Orphanet 79272, MedGen C0086650, MONDO:0009658, OMIM 252940.

Allele frequency attached by ClinVar (database versions not stated): gnomAD exomes below 0.00001 and 0.00001; TOPMed below 0.00001; ExAC 0.00001.
gnomAD v4.1: 8 of 1,612,360 alleles (0.0005%); highest among the groups gnomAD compares: South Asian, 0.0022%; no homozygotes.

Submission:

Labcorp Genetics (formerly Invitae), Labcorp
Classification: Uncertain significance for Mucopolysaccharidosis, MPS-III-D. Last evaluated: 2021-11-16. Review status: criteria provided, single submitter. Criteria: Invitae Variant Classification Sherloc (09022015). Collection method: clinical testing. Allele origin: germline.
Comment: This sequence change replaces serine, which is neutral and polar, with leucine, which is neutral and non-polar, at codon 236 of the GNS protein (p.Ser236Leu). This variant is present in population databases (rs769055154, gnomAD 0.003%). This variant has not been reported in the literature in individuals affected with GNS-related conditions. Algorithms developed to predict the effect of missense changes on protein structure and function are either unavailable or do not agree on the potential impact of this missense change (SIFT: "Deleterious"; PolyPhen-2: "Benign"; Align-GVGD: "Class C15"). In summary, the available evidence is currently insufficient to determine the role of this variant in disease. Therefore, it has been classified as a Variant of Uncertain Significance.

NM_002076.4(GNS):c.707C>T (p.Ser236Leu)

Gene: GNS (glucosamine (N-acetyl)-6-sulfatase; minus strand). Cytogenetic location: 12q14.3.
Variant type: single nucleotide variant.
Coding change: c.707C>T on transcript NM_002076.4 (MANE Select); coding-DNA position 707, C replaced by T.
Protein change: p.Ser236Leu; replaces serine 236 with leucine.
Molecular consequence: missense variant.
Genome position (GRCh38, 1-based): chr12:64,743,226, G>A on the plus strand (C>T on the coding strand, the complement: GNS is on the minus strand). VCF-style: chr12-64743226-G-A. GRCh37 (hg19) VCF-style: chr12-65137006-G-A.
Other names: short protein forms S236L.
Identifiers: ClinVar variation 1369627 (VCV001369627.3), dbSNP rs769055154, ClinGen allele CA6669864.